The following is an entry in ClinVar:

NM_000535.7(PMS2):c.1654C>A (p.His552Asn)

Gene: PMS2 (PMS1 homolog 2, mismatch repair system component; minus strand). Cytogenetic location: 7p22.1.
Variant type: single nucleotide variant.
Coding change: c.1654C>A on transcript NM_000535.7 (MANE Select); coding-DNA position 1654, C replaced by A.
Protein change: p.His552Asn; replaces histidine 552 with asparagine.
Molecular consequence: missense variant. On other transcripts: non-coding transcript variant (1).
Genome position (GRCh38, 1-based): chr7:5,987,111, G>T on the plus strand (C>A on the coding strand, the complement: PMS2 is on the minus strand). VCF-style: chr7-5987111-G-T. GRCh37 (hg19) VCF-style: chr7-6026742-G-T.
Other names: c.1249C>A, p.His417Asn (NM_001322003.2, NM_001322004.2, NM_001322005.2 and 1 more transcripts); c.1498C>A, p.His500Asn (NM_001322006.2); c.1336C>A, p.His446Asn (NM_001322007.2, NM_001322008.2); c.1093C>A, p.His365Asn (NM_001322010.2); c.721C>A, p.His241Asn (NM_001322011.2, NM_001322012.2); c.1081C>A, p.His361Asn (NM_001322013.2); c.1654C>A, p.His552Asn (NM_001322014.2); c.1345C>A, p.His449Asn (NM_001322015.2); short protein forms H552N, H417N, H446N, H241N, H361N, H365N, H449N, H500N.
Identifiers: ClinVar variation 188161 (VCV000188161.10), dbSNP rs786204114, ClinGen allele CA009994.

ClinVar aggregate classification (germline): Uncertain significance (1 of 4 stars; one submission).

Conditions:
Hereditary nonpolyposis colorectal neoplasms. Identifiers: MedGen C0009405, MeSH D003123.

Submission:

Labcorp Genetics (formerly Invitae), Labcorp
Classification: Uncertain significance for Hereditary nonpolyposis colorectal neoplasms. Last evaluated: 2019-09-24. Review status: criteria provided, single submitter. Criteria: Invitae Variant Classification Sherloc (09022015). Collection method: clinical testing. Allele origin: germline.
Comment: In summary, the available evidence is currently insufficient to determine the role of this variant in disease. Therefore, it has been classified as a Variant of Uncertain Significance. Algorithms developed to predict the effect of missense changes on protein structure and function (SIFT, PolyPhen-2, Align-GVGD) all suggest that this variant is likely to be tolerated, but these predictions have not been confirmed by published functional studies and their clinical significance is uncertain. This variant has not been reported in the literature in individuals with PMS2-related conditions. ClinVar contains an entry for this variant (Variation ID: 188161). This variant is not present in population databases (ExAC no frequency). This sequence change replaces histidine with asparagine at codon 552 of the PMS2 protein (p.His552Asn). The histidine residue is weakly conserved and there is a small physicochemical difference between histidine and asparagine.